The following is an entry in ClinVar:

ClinVar aggregate classification (germline): Pathogenic (1 of 4 stars; one submission).

Conditions:
Phenylketonuria (PKU). Also called: FOLLING DISEASE; Phenylketonuria (PKU); OLIGOPHRENIA PHENYLPYRUVICA; Phenylketonurias. Identifiers: Orphanet 716, MedGen C0031485, MONDO:0009861, OMIM 261600. Disease mechanism: loss of function.

Submission:

Labcorp Genetics (formerly Invitae), Labcorp
Classification: Pathogenic for Phenylketonuria. Last evaluated: 2024-05-15. Review status: criteria provided, single submitter. Criteria: Invitae Variant Classification Sherloc (09022015). Collection method: clinical testing. Allele origin: germline.
Comment: This sequence change replaces histidine, which is basic and polar, with asparagine, which is neutral and polar, at codon 271 of the PAH protein (p.His271Asn). This variant is not present in population databases (gnomAD no frequency). This missense change has been observed in individual(s) with clinical features of hyperphenylalaninemia (Invitae). Advanced modeling of protein sequence and biophysical properties (such as structural, functional, and spatial information, amino acid conservation, physicochemical variation, residue mobility, and thermodynamic stability) performed at Invitae indicates that this missense variant is expected to disrupt PAH protein function with a positive predictive value of 80%. This variant disrupts the p.His271 amino acid residue in PAH. Other variant(s) that disrupt this residue have been determined to be pathogenic (PMID: 18299955). This suggests that this residue is clinically significant, and that variants that disrupt this residue are likely to be disease-causing. For these reasons, this variant has been classified as Pathogenic.

Literature cited by the submitters: PubMed 18299955.

NM_000277.3(PAH):c.811C>A (p.His271Asn)

Gene: PAH (phenylalanine hydroxylase; minus strand). Cytogenetic location: 12q23.2.
Variant type: single nucleotide variant.
Coding change: c.811C>A on transcript NM_000277.3 (MANE Select); coding-DNA position 811, C replaced by A.
Protein change: p.His271Asn; replaces histidine 271 with asparagine.
Molecular consequence: missense variant.
Genome position (GRCh38, 1-based): chr12:102,852,846, G>T on the plus strand (C>A on the coding strand, the complement: PAH is on the minus strand). VCF-style: chr12-102852846-G-T. GRCh37 (hg19) VCF-style: chr12-103246624-G-T.
Other names: c.811C>A, p.His271Asn (NM_001354304.2); short protein forms H271N.
Identifiers: ClinVar variation 2816125 (VCV002816125.3), dbSNP rs62517164, ClinGen allele CA386294570.
Genomic context (GRCh38, chr12:102,852,846, plus strand): 5'-GCAACTGGTAGCTGGAGGACAGTACTCACGGTTCGGGGGTATACATGGGCTTGGATCCAT[G>T]TCTGATGTACTGTGTGCAGTGGAAGACTCGGAAGGCCAGGCCACCCAAGAAATCCCGAGA-3'
Protein context (NP_000268.1, residues 261-281): RVFHCTQYIR[His271Asn]GSKPMYTPEP